The following is an entry in ClinVar:

ClinVar aggregate classification (germline): Uncertain significance (1 of 4 stars; one submission).

gnomAD v4.1: 11 of 1,612,290 alleles (0.00068%); highest among the groups gnomAD compares: Non-Finnish European, 0.00093%; no homozygotes.

Submission:

Labcorp Genetics (formerly Invitae), Labcorp
Classification: Uncertain significance. Last evaluated: 2024-03-17. Review status: criteria provided, single submitter. Criteria: Invitae Variant Classification Sherloc (09022015). Collection method: clinical testing. Allele origin: germline.
Comment: This sequence change replaces proline, which is neutral and non-polar, with leucine, which is neutral and non-polar, at codon 941 of the ZMIZ1 protein (p.Pro941Leu). The frequency data for this variant in the population databases is considered unreliable, as metrics indicate poor data quality at this position in the gnomAD database. This variant has not been reported in the literature in individuals affected with ZMIZ1-related conditions. Advanced modeling of protein sequence and biophysical properties (such as structural, functional, and spatial information, amino acid conservation, physicochemical variation, residue mobility, and thermodynamic stability) performed at Invitae indicates that this missense variant is not expected to disrupt ZMIZ1 protein function with a negative predictive value of 80%. In summary, the available evidence is currently insufficient to determine the role of this variant in disease. Therefore, it has been classified as a Variant of Uncertain Significance.

NM_020338.4(ZMIZ1):c.2822C>T (p.Pro941Leu)

Gene: ZMIZ1 (zinc finger MIZ-type containing 1; plus strand). Cytogenetic location: 10q22.3.
Variant type: single nucleotide variant.
Coding change: c.2822C>T on transcript NM_020338.4 (MANE Select); coding-DNA position 2822, C replaced by T.
Protein change: p.Pro941Leu; replaces proline 941 with leucine.
Molecular consequence: missense variant.
Genome position (GRCh38, 1-based): chr10:79,307,558, C>T. VCF-style: chr10-79307558-C-T. GRCh37 (hg19) VCF-style: chr10-81067315-C-T.
Other names: short protein forms P941L.
Identifiers: ClinVar variation 3629165 (VCV003629165.2).